The following is an entry in ClinVar:

NM_017934.7(PHIP):c.4926A>C (p.Lys1642Asn)

Genes: IRAK1BP1 (interleukin 1 receptor associated kinase 1 binding protein 1; plus strand), PHIP (PHIP subunit of CUL4-Ring ligase complex; minus strand). Cytogenetic location: 6q14.1.
Variant type: single nucleotide variant.
Coding change: c.4926A>C on transcript NM_017934.7 (MANE Select); coding-DNA position 4926, A replaced by C.
Protein change: p.Lys1642Asn; replaces lysine 1642 with asparagine.
Molecular consequence: missense variant.
Genome position (GRCh38, 1-based): chr6:78,941,233, T>G on the plus strand (A>C on the coding strand, the complement: PHIP is on the minus strand). VCF-style: chr6-78941233-T-G. GRCh37 (hg19) VCF-style: chr6-79650950-T-G.
Other names: short protein forms K1642N.
Identifiers: ClinVar variation 3358507 (VCV003358507.1).

ClinVar aggregate classification (germline): Uncertain significance (0 of 4 stars; one submission).

Conditions:
PHIP-related disorder. Also called: PHIP-related condition; PHIP-related disorders.

gnomAD v4.1: 1 of 1,613,962 alleles (0.000062%); highest among the groups gnomAD compares: African/African-American, 0.0013%; no homozygotes.

Submission:

PreventionGenetics, part of Exact Sciences
Classification: Uncertain significance for PHIP-related condition. Last evaluated: 2024-04-04. Review status: no assertion criteria provided. Collection method: clinical testing. Allele origin: germline.
Comment: The PHIP c.4926A>C variant is predicted to result in the amino acid substitution p.Lys1642Asn. To our knowledge, this variant has not been reported in the literature. This variant is reported in 0.0062% of alleles in individuals of African descent in gnomAD. At this time, the clinical significance of this variant is uncertain due to the absence of conclusive functional and genetic evidence.